The following is an entry in ClinVar:

NM_001386795.1(DTNA):c.148+7A>G

Genes: DTNA (dystrobrevin alpha; plus strand), DTNA-AS1 (DTNA antisense RNA 1; minus strand). Cytogenetic location: 18q12.1.
Variant type: single nucleotide variant.
Coding change: c.148+7A>G on transcript NM_001386795.1 (MANE Select); 7 bases into the intron after coding-DNA position 148, A replaced by G.
Molecular consequence: intron variant.
Genome position (GRCh38, 1-based): chr18:34,766,048, A>G. VCF-style: chr18-34766048-A-G. GRCh37 (hg19) VCF-style: chr18-32346012-A-G.
Other names: c.148+7A>G (NM_032975.4, NM_001386761.1, NM_001386762.1 and 35 more transcripts).
Identifiers: ClinVar variation 46415 (VCV000046415.6), dbSNP rs397517445, ClinGen allele CA138299.

ClinVar aggregate classification (germline): Likely benign. Review status: criteria provided, multiple submitters, no conflicts (2 of 4 stars). 3 submissions from 3 submitters: Likely benign (3). Last evaluated 2025-09-15.

Conditions:
Left ventricular noncompaction 1 (LVNC1). Also called: LEFT VENTRICULAR NONCOMPACTION 1 WITH OR WITHOUT CONGENITAL HEART DEFECTS. Identifiers: Orphanet 54260, MedGen C1858725, MONDO:0011403, OMIM 604169.

Allele frequency attached by ClinVar (database versions not stated): gnomAD exomes below 0.00001.
gnomAD v4.1: 4 of 1,613,520 alleles (0.00025%); highest among the groups gnomAD compares: South Asian, 0.0044%; no homozygotes.

Submissions (3):

Women's Health and Genetics/Laboratory Corporation of America, LabCorp
Classification: Likely benign. Last evaluated: 2025-09-15. Review status: criteria provided, single submitter. Criteria: LabCorp Variant Classification Summary - May 2015. Collection method: clinical testing. Allele origin: germline.

Labcorp Genetics (formerly Invitae), Labcorp
Classification: Likely benign for Left ventricular noncompaction 1. Last evaluated: 2025-05-23. Review status: criteria provided, single submitter. Criteria: Invitae Variant Classification Sherloc (09022015). Collection method: clinical testing. Allele origin: germline.

Laboratory for Molecular Medicine, Mass General Brigham Personalized Medicine
Classification: Likely benign. Last evaluated: 2012-08-21. Review status: criteria provided, single submitter. Criteria: LMM Criteria. Collection method: clinical testing. Allele origin: germline. Observed: 1 variant allele.
Comment: 148+7A>G in intron 4 of DTNA: This variant is not expected to have clinical sign ificance because it is not located within the splice consensus sequence. 148+7 A>G in intron 4 of DTNA (allele frequency = n/a)